The following is an entry in ClinVar:

NM_001927.4(DES):c.158T>C (p.Val53Ala)

Gene: DES (desmin; plus strand). Cytogenetic location: 2q35.
Variant type: single nucleotide variant.
Coding change: c.158T>C on transcript NM_001927.4 (MANE Select); coding-DNA position 158, T replaced by C.
Protein change: p.Val53Ala; replaces valine 53 with alanine.
Molecular consequence: missense variant.
Genome position (GRCh38, 1-based): chr2:219,418,620, T>C. VCF-style: chr2-219418620-T-C. GRCh37 (hg19) VCF-style: chr2-220283342-T-C.
Other names: c.158T>C, p.Val53Ala (NM_001382708.1, NM_001382709.1, NM_001382710.1 and 3 more transcripts); short protein forms V53A.
Identifiers: ClinVar variation 3221931 (VCV003221931.2), dbSNP rs1954365296, ClinGen allele CA350683459.
Genomic context (GRCh38, chr2:219,418,620, plus strand): 5'-CCGTGTTCCCGCGGGCGGGTTTCGGCTCTAAGGGCTCCTCCAGCTCGGTGACGTCCCGCG[T>C]GTACCAGGTGTCGCGCACGTCGGGCGGGGCCGGGGGCCTGGGGTCGCTGCGGGCCAGCCG-3'
Protein context (NP_001918.3, residues 43-63): KGSSSSVTSR[Val53Ala]YQVSRTSGGA

ClinVar aggregate classification (germline): Uncertain significance. Review status: criteria provided, multiple submitters, no conflicts (2 of 4 stars). 2 submissions from 2 submitters: Uncertain significance (2). Last evaluated 2025-12-22.

Conditions:
Cardiovascular phenotype. Identifiers: MedGen CN230736.
Desmin-related myofibrillar myopathy (MFM1). Also called: Desminopathy; Desmin related myopathy (former name); Desmin storage myopathy (former name); MYOFIBRILLAR MYOPATHY WITH ARRHYTHMOGENIC RIGHT VENTRICULAR CARDIOMYOPATHY; DESMIN-RELATED MYOPATHY WITH ARRHYTHMOGENIC RIGHT VENTRICULAR CARDIOMYOPATHY; Myofibrillar myopathy 1. Identifiers: Orphanet 363543, Orphanet 98909, MedGen C1832370, MONDO:0011076, OMIM 601419.

Allele frequency attached by ClinVar (database versions not stated): gnomAD exomes below 0.00001; TOPMed below 0.00001; gnomAD 0.00001.
gnomAD v4.1: 2 of 1,602,016 alleles (0.00012%); highest among the groups gnomAD compares: Admixed American, 0.0034%; no homozygotes.

Submissions (2):

Labcorp Genetics (formerly Invitae), Labcorp
Classification: Uncertain significance for Desmin-related myofibrillar myopathy. Last evaluated: 2025-12-22. Review status: criteria provided, single submitter. Criteria: Invitae Variant Classification Sherloc (09022015). Collection method: clinical testing. Allele origin: germline.
Comment: This sequence change replaces valine, which is neutral and non-polar, with alanine, which is neutral and non-polar, at codon 53 of the DES protein (p.Val53Ala). This variant is not present in population databases (gnomAD no frequency). This variant has not been reported in the literature in individuals affected with DES-related conditions. ClinVar contains an entry for this variant (Variation ID: 3221931). Invitae Evidence Modeling of protein sequence and biophysical properties (such as structural, functional, and spatial information, amino acid conservation, physicochemical variation, residue mobility, and thermodynamic stability) has been performed for this missense variant. However, the output from this modeling did not meet the statistical confidence thresholds required to predict the impact of this variant on DES protein function. In summary, the available evidence is currently insufficient to determine the role of this variant in disease. Therefore, it has been classified as a Variant of Uncertain Significance.

Ambry Genetics
Classification: Uncertain significance for Cardiovascular phenotype. Last evaluated: 2023-02-13. Review status: criteria provided, single submitter. Criteria: Ambry Variant Classification Scheme 2023. Collection method: clinical testing. Allele origin: germline.
Comment: The p.V53A variant (also known as c.158T>C), located in coding exon 1 of the DES gene, results from a T to C substitution at nucleotide position 158. The valine at codon 53 is replaced by alanine, an amino acid with similar properties. This alteration has been reported in an arrhythmogenic cardiomyopathy cohort; however, clinical details were limited (Vallverd&uacute;-Prats M et al. J Pers Med, 2021 Feb;11:[ePub ahead of print]). This amino acid position is highly conserved in available vertebrate species. In addition, the in silico prediction for this alteration is inconclusive. Since supporting evidence is limited at this time, the clinical significance of this alteration remains unclear.

Literature cited by the submitters: PubMed 33652588 (cited by Ambry Genetics).